The following is an entry in ClinVar:

NM_000518.5(HBB):c.316-125A>G

Genes: HBB (hemoglobin subunit beta; minus strand), LOC107133510 (origin of replication at HBB; plus strand), LOC110006319 (beta-globin gene 3' regulatory region; plus strand). Cytogenetic location: 11p15.4.
Variant type: single nucleotide variant.
Coding change: c.316-125A>G on transcript NM_000518.5 (MANE Select); 125 bases into the intron before coding-DNA position 316, A replaced by G.
Molecular consequence: intron variant.
Genome position (GRCh38, 1-based): chr11:5,225,851, T>C on the plus strand (A>G on the coding strand, the complement: HBB is on the minus strand). VCF-style: chr11-5225851-T-C. GRCh37 (hg19) VCF-style: chr11-5247081-T-C.
Other names: IVS II-726 A>G.
Identifiers: ClinVar variation 439149 (VCV000439149.30), dbSNP rs63751175, ClinGen allele CA217112977.

ClinVar aggregate classification (germline): Conflicting classifications of pathogenicity. Review status: criteria provided, conflicting classifications (1 of 4 stars). 9 submissions from 9 submitters: Uncertain significance (1); Benign (1); Likely benign (4). 3 of the submissions do not count toward it. Last evaluated 2026-01-27.

Conditions:
beta Thalassemia (BTHAL). Also called: Cooley's anemia; Erythroblastic anemia; Mediterranean anemia. Identifiers: Orphanet 848, MedGen C0005283, MONDO:0019402. Disease mechanism: loss of function.
HBB-related disorder. Also called: HBB-related condition; HBB-related disorders. Identifiers: MedGen CN239378.

Allele frequency attached by ClinVar (database versions not stated): gnomAD 0.00045 and 0.00040; 1000 Genomes Project 30x 0.00016; TOPMed 0.00077; 1000 Genomes Project 0.00020; gnomAD exomes 0.00023.
gnomAD v4.1: 264 of 921,806 alleles (0.029%); highest among the groups gnomAD compares: Admixed American, 0.2%; 2 homozygotes.

Submissions (9):

Labcorp Genetics (formerly Invitae), Labcorp
Classification: Likely benign. Last evaluated: 2026-01-27. Review status: criteria provided, single submitter. Criteria: Invitae Variant Classification Sherloc (09022015). Collection method: clinical testing. Allele origin: germline.

Women's Health and Genetics/Laboratory Corporation of America, LabCorp
Classification: Likely benign. Last evaluated: 2025-04-08. Review status: criteria provided, single submitter. Criteria: LabCorp Variant Classification Summary - May 2015. Collection method: clinical testing. Allele origin: germline.
Comment: Variant summary: HBB c.316-125A>G is located at a position not widely known to affect splicing. Consensus agreement among computation tools predict no significant impact on normal splicing. However, these predictions have yet to be confirmed by functional studies. The variant allele was found at a frequency of 0.00028 in 916348 control chromosomes in the gnomAD database, including 2 homozygotes. This frequency is not significantly higher than estimated for a pathogenic variant in HBB causing Hemoglobinopathy (0.00028 vs 0.011), allowing no conclusion about variant significance. However, the variant was subsequently reported in several studies in heterozygous carriers with normal (or borderline) hematological laboratory values; in addition, the variant was also reported in healthy individuals in combination with (likely) pathogenic alpha-, and beta-globin gene variants, and all studies classified the variant as a polymorphism (e.g. Vinciguerra_2012 [no PMID], Vinciguerra_2017, Grimholt_2018, Belmokhtar_2024). The following publications have been ascertained in the context of this evaluation (PMID: 18976160, 17994377, 33851260, 21423179, 30047296, 20113284, 29171316, 39515600). ClinVar contains an entry for this variant (Variation ID: 439149). Based on the evidence outlined above, the variant was classified as likely benign.

ARUP Laboratories, Molecular Genetics and Genomics, ARUP Laboratories
Classification: Likely benign. Last evaluated: 2025-03-03. Review status: criteria provided, single submitter. Criteria: ARUP Molecular Germline Variant Investigation Process 2024. Collection method: clinical testing. Allele origin: germline.

Revvity Omics, Revvity
Classification: Uncertain significance. Last evaluated: 2025-02-10. Review status: criteria provided, single submitter. Criteria: ACMG Guidelines, 2015. Collection method: clinical testing. Allele origin: germline.

Quest Diagnostics Nichols Institute San Juan Capistrano
Classification: Benign. Last evaluated: 2020-02-27. Review status: criteria provided, single submitter. Criteria: Quest Diagnostics criteria. Collection method: clinical testing. Allele origin: unknown.

GeneDx
Classification: Likely benign. Last evaluated: 2019-06-14. Review status: criteria provided, single submitter. Criteria: GeneDx Variant Classification Process June 2021. Collection method: clinical testing. Allele origin: germline. Affected: yes.
Comment: This variant is associated with the following publications: (PMID: 30047296, 21423179, 18976160, 27258795, 24401016, 17994377, 29171316)

PreventionGenetics, part of Exact Sciences
Classification: Likely benign for HBB-related condition. Last evaluated: 2022-06-09. Review status: no assertion criteria provided. Collection method: clinical testing. Allele origin: germline. Not counted in ClinVar's aggregate classification.
Comment: This variant is classified as likely benign based on ACMG/AMP sequence variant interpretation guidelines (Richards et al. 2015 PMID: 25741868, with internal and published modifications).

Natera, Inc.
Classification: Likely benign for Beta thalassemia. Last evaluated: 2020-09-16. Review status: no assertion criteria provided. Collection method: clinical testing. Allele origin: germline. Not counted in ClinVar's aggregate classification.

The ITHANET community portal, The Cyprus Institute of Neurology and Genetics
Classification: Pathogenic for beta Thalassemia. Last evaluated: 2019-11-25. Review status: no assertion criteria provided. Collection method: curation. Allele origin: germline. Not counted in ClinVar's aggregate classification.

Literature cited by the submitters: PubMed 18976160 (cited by Women's Health and Genetics/Laboratory Corporation of America, LabCorp and Quest Diagnostics Nichols Institute San Juan Capistrano); PubMed 20113284 (cited by Women's Health and Genetics/Laboratory Corporation of America, LabCorp); PubMed 17994377 (cited by 3 submitters); PubMed 21423179 (cited by Women's Health and Genetics/Laboratory Corporation of America, LabCorp and Quest Diagnostics Nichols Institute San Juan Capistrano); PubMed 30047296 (cited by Women's Health and Genetics/Laboratory Corporation of America, LabCorp and Quest Diagnostics Nichols Institute San Juan Capistrano); PubMed 29171316 (cited by Women's Health and Genetics/Laboratory Corporation of America, LabCorp and Quest Diagnostics Nichols Institute San Juan Capistrano); PubMed 33851260 (cited by Women's Health and Genetics/Laboratory Corporation of America, LabCorp); PubMed 39515600 (cited by Women's Health and Genetics/Laboratory Corporation of America, LabCorp); PubMed 29076137 (cited by Quest Diagnostics Nichols Institute San Juan Capistrano); PubMed 29082517 (cited by Quest Diagnostics Nichols Institute San Juan Capistrano); PubMed 28643346 (cited by Quest Diagnostics Nichols Institute San Juan Capistrano); PubMed 24401016 (cited by Quest Diagnostics Nichols Institute San Juan Capistrano); PubMed 27258795 (cited by Quest Diagnostics Nichols Institute San Juan Capistrano); PubMed 31766235 (cited by Quest Diagnostics Nichols Institute San Juan Capistrano).